The following is an entry in ClinVar:

ClinVar aggregate classification (germline): Uncertain significance (1 of 4 stars; one submission).

Conditions:
Early-infantile DEE. Also called: Early infantile epileptic encephalopathy with suppression bursts; Early infantile epileptic encephalopathy; Ohtahara syndrome. Identifiers: Orphanet 1934, MedGen C0393706, MONDO:0800491.

Submission:

Labcorp Genetics (formerly Invitae), Labcorp
Classification: Uncertain significance for Early-infantile DEE. Last evaluated: 2022-09-02. Review status: criteria provided, single submitter. Criteria: Invitae Variant Classification Sherloc (09022015). Collection method: clinical testing. Allele origin: germline.
Comment: This variant has not been reported in the literature in individuals affected with SPTAN1-related conditions. In summary, the available evidence is currently insufficient to determine the role of this variant in disease. Therefore, it has been classified as a Variant of Uncertain Significance. Algorithms developed to predict the effect of missense changes on protein structure and function (SIFT, PolyPhen-2, Align-GVGD) all suggest that this variant is likely to be tolerated. This variant is not present in population databases (gnomAD no frequency). This sequence change replaces serine, which is neutral and polar, with proline, which is neutral and non-polar, at codon 2143 of the SPTAN1 protein (p.Ser2143Pro).

NM_001130438.3(SPTAN1):c.6427T>C (p.Ser2143Pro)

Gene: SPTAN1 (spectrin alpha, non-erythrocytic 1; plus strand). Cytogenetic location: 9q34.11.
Variant type: single nucleotide variant.
Coding change: c.6427T>C on transcript NM_001130438.3 (MANE Select); coding-DNA position 6427, T replaced by C.
Protein change: p.Ser2143Pro; replaces serine 2143 with proline.
Molecular consequence: missense variant.
Genome position (GRCh38, 1-based): chr9:128,626,538, T>C. VCF-style: chr9-128626538-T-C. GRCh37 (hg19) VCF-style: chr9-131388817-T-C.
Other names: c.6352T>C, p.Ser2118Pro (NM_001195532.2); c.6427T>C, p.Ser2143Pro (NM_001363759.2, NM_001375310.1, NM_001375311.2 and 1 more transcripts); c.6367T>C, p.Ser2123Pro (NM_001363765.2, NM_001375314.2); c.6463T>C, p.Ser2155Pro (NM_001375312.2, NM_001375318.1); c.6412T>C, p.Ser2138Pro (NM_003127.4); short protein forms S2118P, S2123P, S2138P, S2143P, S2155P.
Identifiers: ClinVar variation 1718647 (VCV001718647.5), dbSNP rs1356195027, ClinGen allele CA375088905.
Genomic context (GRCh38, chr9:128,626,538, plus strand): 5'-GTGCGCTGCAACTCCTTGGAAGAAATCAAAGCTTTGCGCGAGGCCCACGACGCCTTCCGC[T>C]CCTCCCTCAGCTCTGCCCAGGCTGACTTCAACCAGCTGGCCGAGCTGGACCGCCAGATCA-3'
Protein context (NP_001123910.1, residues 2133-2153): ALREAHDAFR[Ser2143Pro]SLSSAQADFN